The following is an entry in ClinVar:

ClinVar aggregate classification (germline): Uncertain significance (1 of 4 stars; one submission).

Conditions:
Autoimmune interstitial lung disease-arthritis syndrome. Also called: Autoinflammation and autoimmunity, systemic, with immune dysregulation. Identifiers: Orphanet 444092, MedGen C5975714, MONDO:0014629.

Submission:

Labcorp Genetics (formerly Invitae), Labcorp
Classification: Uncertain significance for Autoimmune interstitial lung disease-arthritis syndrome. Last evaluated: 2024-12-14. Review status: criteria provided, single submitter. Criteria: Invitae Variant Classification Sherloc (09022015). Collection method: clinical testing. Allele origin: germline.
Comment: This sequence change replaces phenylalanine, which is neutral and non-polar, with leucine, which is neutral and non-polar, at codon 959 of the COPA protein (p.Phe959Leu). This variant is not present in population databases (gnomAD no frequency). This variant has not been reported in the literature in individuals affected with COPA-related conditions. Invitae Evidence Modeling of protein sequence and biophysical properties (such as structural, functional, and spatial information, amino acid conservation, physicochemical variation, residue mobility, and thermodynamic stability) indicates that this missense variant is not expected to disrupt COPA protein function with a negative predictive value of 80%. In summary, the available evidence is currently insufficient to determine the role of this variant in disease. Therefore, it has been classified as a Variant of Uncertain Significance.

NM_004371.4(COPA):c.2877C>A (p.Phe959Leu)

Gene: COPA (coat protein complex I subunit alpha; minus strand). Cytogenetic location: 1q23.2.
Variant type: single nucleotide variant.
Coding change: c.2877C>A on transcript NM_004371.4 (MANE Select); coding-DNA position 2877, C replaced by A.
Protein change: p.Phe959Leu; replaces phenylalanine 959 with leucine.
Molecular consequence: missense variant.
Genome position (GRCh38, 1-based): chr1:160,292,567, G>T on the plus strand (C>A on the coding strand, the complement: COPA is on the minus strand). VCF-style: chr1-160292567-G-T. GRCh37 (hg19) VCF-style: chr1-160262357-G-T.
Other names: c.2904C>A, p.Phe968Leu (NM_001098398.2); short protein forms F968L, F959L.
Identifiers: ClinVar variation 3719672 (VCV003719672.2).
Genomic context (GRCh38, chr1:160,292,567, plus strand): 5'-CATGGAGGGTAGGCAGGGCAGAGCCTGATAGGTTGTGCGGCCTCGGGCGTATGTCTGTAG[G>T]AACAGTTGCTTGTAGGGGCCAAACTGGATTACCCCTACTTGGTCATGAAGGAGCTGGAAC-3'
Protein context (NP_004362.2, residues 949-969): VIQFGPYKQL[Phe959Leu]LQTYARGRTT